The following is an entry in ClinVar:

ClinVar aggregate classification (germline): Benign (0 of 4 stars; one submission).

Conditions:
AGO1-related disorder. Also called: AGO1-related condition.

Allele frequency attached by ClinVar (database versions not stated): gnomAD exomes 0.05066; ESP Exome Variant Server 0.12448; ExAC 0.15187; gnomAD 0.16070; TOPMed 0.18816; 1000 Genomes Project 30x 0.30325; 1000 Genomes Project 0.30671.
gnomAD v4.1: 98,077 of 1,571,186 alleles (6.2%); highest among the groups gnomAD compares: East Asian, 70%; 19,934 homozygotes.

Submissions (8):

PreventionGenetics, part of Exact Sciences
Classification: Benign for AGO1-related condition. Last evaluated: 2024-03-11. Review status: no assertion criteria provided. Collection method: clinical testing. Allele origin: germline.
Comment: This variant is classified as benign based on ACMG/AMP sequence variant interpretation guidelines (Richards et al. 2015 PMID: 25741868, with internal and published modifications).

Dr. Peter K. Rogan Lab, Western University
No classification provided (evidence only). Condition: Melanoma. Review status: no classification provided. Collection method: in vitro. Allele origin: not applicable. Functional consequence: retained intron. Not counted in ClinVar's aggregate classification.

Dr. Peter K. Rogan Lab, Western University
No classification provided (evidence only). Condition: Melanoma. Review status: no classification provided. Collection method: in vitro. Allele origin: not applicable. Functional consequence: retained intron. Not counted in ClinVar's aggregate classification.

Dr. Peter K. Rogan Lab, Western University
No classification provided (evidence only). Condition: Melanoma. Review status: no classification provided. Collection method: in vitro. Allele origin: not applicable. Functional consequence: retained intron. Not counted in ClinVar's aggregate classification.

Dr. Peter K. Rogan Lab, Western University
No classification provided (evidence only). Condition: Acute myeloid leukemia. Review status: no classification provided. Collection method: in vitro. Allele origin: not applicable. Functional consequence: skipped exon. Not counted in ClinVar's aggregate classification.

Dr. Peter K. Rogan Lab, Western University
No classification provided (evidence only). Condition: Colon adenocarcinoma. Review status: no classification provided. Collection method: in vitro. Allele origin: not applicable. Functional consequence: retained intron. Not counted in ClinVar's aggregate classification.

Dr. Peter K. Rogan Lab, Western University
No classification provided (evidence only). Condition: Malignant lymphoma, large B-cell, diffuse. Review status: no classification provided. Collection method: in vitro. Allele origin: not applicable. Functional consequence: retained intron. Not counted in ClinVar's aggregate classification.

Dr. Peter K. Rogan Lab, Western University
No classification provided (evidence only). Condition: Uterine carcinosarcoma. Review status: no classification provided. Collection method: in vitro. Allele origin: not applicable. Functional consequence: retained intron. Not counted in ClinVar's aggregate classification.

NM_012199.5(AGO1):c.681A>G (p.Pro227=)

Gene: AGO1 (argonaute RISC component 1; plus strand). Cytogenetic location: 1p34.3.
Variant type: single nucleotide variant.
Coding change: c.681A>G on transcript NM_012199.5 (MANE Select); coding-DNA position 681, A replaced by G.
Protein change: p.Pro227=; no amino-acid change (proline 227 retained).
Molecular consequence: synonymous variant.
Genome position (GRCh38, 1-based): chr1:35,894,068, A>G. VCF-style: chr1-35894068-A-G. GRCh37 (hg19) VCF-style: chr1-36359669-A-G.
Other names: NC_000001.10:g.36359669A>G; c.681A>G, p.Pro227= (NM_001317122.2); c.456A>G, p.Pro152= (NM_001317123.2).
Identifiers: ClinVar variation 3060004 (VCV003060004.3), dbSNP rs2296470, ClinGen allele CA763050.
Genomic context (GRCh38, chr1:35,894,068, plus strand): 5'-GCTGAGCTATCTTTACCCTGTCCCCACAGTCTCAGCCACTGCCTTTTATAAGGCACAGCC[A>G]GTGATTGAGTTCATGTGTGAGGTGCTGGACATCAGGAACATAGATGAGCAGCCCAAGCCC-3'
Protein context (NP_036331.1, residues 217-237): VSATAFYKAQ[Pro227=]VIEFMCEVLD